The following is an entry in ClinVar:

ClinVar aggregate classification (germline): Benign/Likely benign. Review status: criteria provided, multiple submitters, no conflicts (2 of 4 stars). 6 submissions from 6 submitters: Benign (1); Likely benign (4). 1 of the submissions does not count toward it. Last evaluated 2026-01-21.

Conditions:
BICC1-related disorder. Also called: BICC1-related condition.

Allele frequency attached by ClinVar (database versions not stated): 1000 Genomes Project 0.00160; 1000 Genomes Project 30x 0.00187; TOPMed 0.00478; gnomAD 0.00527 and 0.00545; ESP Exome Variant Server 0.00623.
gnomAD v4.1: 13,283 of 1,613,482 alleles (0.82%); highest among the groups gnomAD compares: Non-Finnish European, 1%; 81 homozygotes.

Submissions (6):

Labcorp Genetics (formerly Invitae), Labcorp
Classification: Likely benign. Last evaluated: 2026-01-21. Review status: criteria provided, single submitter. Criteria: Invitae Variant Classification Sherloc (09022015). Collection method: clinical testing. Allele origin: germline.

Mayo Clinic Laboratories, Mayo Clinic
Classification: Likely benign. Last evaluated: 2025-08-18. Review status: criteria provided, single submitter. Criteria: ACMG Guidelines, 2015. Collection method: clinical testing. Allele origin: germline. Observed: 4 variant alleles.
Comment: BS2, BP4_moderate

CeGaT Center for Human Genetics Tuebingen
Classification: Benign. Last evaluated: 2025-07-01. Review status: criteria provided, single submitter. Criteria: CeGaT Center For Human Genetics Tuebingen Variant Classification Criteria Version 2. Collection method: clinical testing. Allele origin: germline. Affected: yes. Observed: 10 variant alleles.
Comment: BICC1: BS1, BS2

GeneDx
Classification: Likely benign. Last evaluated: 2021-01-13. Review status: criteria provided, single submitter. Criteria: GeneDx Variant Classification Process June 2021. Collection method: clinical testing. Allele origin: germline. Affected: yes.

Breakthrough Genomics
Classification: Likely benign. Review status: criteria provided, single submitter. Criteria: ACMG Guidelines, 2015. Collection method: not provided. Allele origin: germline. Inheritance: Autosomal dominant inheritance. Affected: yes.

PreventionGenetics, part of Exact Sciences
Classification: Benign for BICC1-related condition. Last evaluated: 2024-09-24. Review status: no assertion criteria provided. Collection method: clinical testing. Allele origin: germline. Not counted in ClinVar's aggregate classification.
Comment: This variant is classified as benign based on ACMG/AMP sequence variant interpretation guidelines (Richards et al. 2015 PMID: 25741868, with internal and published modifications).

NM_001080512.3(BICC1):c.2608A>G (p.Asn870Asp)

Gene: BICC1 (BicC family RNA binding protein 1; plus strand). Cytogenetic location: 10q21.1.
Variant type: single nucleotide variant.
Coding change: c.2608A>G on transcript NM_001080512.3 (MANE Select); coding-DNA position 2608, A replaced by G.
Protein change: p.Asn870Asp; replaces asparagine 870 with aspartic acid.
Molecular consequence: missense variant.
Genome position (GRCh38, 1-based): chr10:58,817,636, A>G. VCF-style: chr10-58817636-A-G. GRCh37 (hg19) VCF-style: chr10-60577396-A-G.
Other names: p.Asn870Asp; short protein forms N870D.
Identifiers: ClinVar variation 770964 (VCV000770964.43), dbSNP rs62625030, ClinGen allele CA5508871.